The following is an entry in ClinVar:

NM_000051.4(ATM):c.8722_8730delinsGAGACAAT (p.Phe2908fs)

Genes: ATM (ATM serine/threonine kinase; plus strand), C11orf65 (chromosome 11 open reading frame 65; minus strand). Cytogenetic location: 11q22.3.
Variant type: Indel.
Coding change: c.8722_8730delinsGAGACAAT on transcript NM_000051.4 (MANE Select); coding-DNA positions 8722 to 8730, TTTAGACTC replaced by GAGACAAT.
Protein change: p.Phe2908fs; shifts the reading frame from phenylalanine 2908.
Molecular consequence: frameshift variant. On other transcripts: intron variant (2).
Genome position (GRCh38, 1-based): chr11:108,353,816-108,353,824, TTTAGACTC replaced by GAGACAAT. VCF-style: chr11-108353816-TTTAGACTC-GAGACAAT. GRCh37 (hg19) VCF-style: chr11-108224543-TTTAGACTC-GAGACAAT.
Other names: c.8722_8730delinsGAGACAAT, p.Phe2908fs (NM_001351834.2); c.640+32096_640+32104delinsATTGTCTC (NM_001330368.2); c.695-18532_695-18524delinsATTGTCTC (NM_001351110.2); short protein forms F2908fs.
Identifiers: ClinVar variation 3893888 (VCV003893888.1).
Genomic context (GRCh38, chr11:108,353,816, plus strand): 5'-TTTACTTTAGGTGTTGCTTTTGAACAGGGCAAAATCCTTCCTACTCCTGAGACAGTTCCT[TTTAGACTC>GAGACAAT]ACCAGAGATATTGTGGATGGCATGGGCATTACGGGTGTTGAAGGTGTCTTCAGAAGGTAA-3'

ClinVar aggregate classification (germline): Pathogenic (1 of 4 stars; one submission).

Conditions:
Hereditary cancer-predisposing syndrome. Also called: Neoplastic Syndromes, Hereditary; Tumor predisposition; Hereditary Cancer Syndrome; Hereditary neoplastic syndrome. Identifiers: Orphanet 140162, MedGen C0027672, MeSH D009386, MONDO:0015356.

Submission:

Color Diagnostics, LLC DBA Color Health
Classification: Pathogenic for Hereditary cancer-predisposing syndrome. Last evaluated: 2024-12-11. Review status: criteria provided, single submitter. Criteria: ACMG Guidelines, 2015. Collection method: clinical testing. Allele origin: germline.
Comment: This variant causes the deletion of 9 nucleotides and insertion of 8 nucleotides in exon 60/63 of the ATM gene, creating a frameshift and premature translation stop signal. This variant is expected to result in an absent or non-functional protein product. To our knowledge, this variant has not been reported in individuals affected with ATM-related disorders in the literature. This variant has not been identified in the general population by the Genome Aggregation Database (gnomAD). Loss of ATM function is a known mechanism of disease. Based on the available evidence, this variant is classified as Pathogenic.